The following is an entry in ClinVar:

NM_003072.5(SMARCA4):c.466G>T (p.Gly156Cys)

Gene: SMARCA4 (SWI/SNF related BAF chromatin remodeling complex subunit ATPase 4; plus strand). Cytogenetic location: 19p13.2.
Variant type: single nucleotide variant.
Coding change: c.466G>T on transcript NM_003072.5 (MANE Select); coding-DNA position 466, G replaced by T.
Protein change: p.Gly156Cys; replaces glycine 156 with cysteine.
Molecular consequence: missense variant. On other transcripts: non-coding transcript variant (1).
Genome position (GRCh38, 1-based): chr19:10,986,299, G>T. VCF-style: chr19-10986299-G-T. GRCh37 (hg19) VCF-style: chr19-11096975-G-T.
Other names: c.466G>T, p.Gly156Cys (NM_001128844.3, NM_001128845.2, NM_001128846.2 and 5 more transcripts); short protein forms G156C.
Identifiers: ClinVar variation 646217 (VCV000646217.11), dbSNP rs954975906, ClinGen allele CA404056044.

ClinVar aggregate classification (germline): Uncertain significance. Review status: criteria provided, multiple submitters, no conflicts (2 of 4 stars). 2 submissions from 2 submitters: Uncertain significance (2). Last evaluated 2025-08-13.

Conditions:
Rhabdoid tumor predisposition syndrome 2 (RTPS2). Identifiers: Orphanet 231108, Orphanet 69077, MedGen C2750074, MONDO:0013224, OMIM 613325.
Hereditary cancer-predisposing syndrome. Also called: Hereditary Cancer Syndrome; Tumor predisposition; Hereditary neoplastic syndrome; Neoplastic Syndromes, Hereditary. Identifiers: Orphanet 140162, MedGen C0027672, MeSH D009386, MONDO:0015356.

Submissions (2):

Ambry Genetics
Classification: Uncertain significance for Hereditary cancer-predisposing syndrome. Last evaluated: 2025-08-13. Review status: criteria provided, single submitter. Criteria: Ambry Variant Classification Scheme 2023. Collection method: clinical testing. Allele origin: germline.
Comment: The p.G156C variant (also known as c.466G>T), located in coding exon 3 of the SMARCA4 gene, results from a G to T substitution at nucleotide position 466. The glycine at codon 156 is replaced by cysteine, an amino acid with highly dissimilar properties. This amino acid position is well conserved in available vertebrate species. In addition, the in silico prediction for this alteration is inconclusive. Based on the available evidence, the clinical significance of this variant remains unclear.

Labcorp Genetics (formerly Invitae), Labcorp
Classification: Uncertain significance for Rhabdoid tumor predisposition syndrome 2. Last evaluated: 2022-02-19. Review status: criteria provided, single submitter. Criteria: Invitae Variant Classification Sherloc (09022015). Collection method: clinical testing. Allele origin: germline.
Comment: In summary, the available evidence is currently insufficient to determine the role of this variant in disease. Therefore, it has been classified as a Variant of Uncertain Significance. Algorithms developed to predict the effect of missense changes on protein structure and function are either unavailable or do not agree on the potential impact of this missense change (SIFT: "Deleterious"; PolyPhen-2: "Possibly Damaging"; Align-GVGD: "Class C15"). ClinVar contains an entry for this variant (Variation ID: 646217). This variant has not been reported in the literature in individuals affected with SMARCA4-related conditions. This variant is not present in population databases (gnomAD no frequency). This sequence change replaces glycine, which is neutral and non-polar, with cysteine, which is neutral and slightly polar, at codon 156 of the SMARCA4 protein (p.Gly156Cys).